The following is an entry in ClinVar:

NM_000346.4(SOX9):c.947C>T (p.Thr316Met)

Gene: SOX9 (SRY-box transcription factor 9; plus strand). Cytogenetic location: 17q24.3.
Variant type: single nucleotide variant.
Coding change: c.947C>T on transcript NM_000346.4 (MANE Select); coding-DNA position 947, C replaced by T.
Protein change: p.Thr316Met; replaces threonine 316 with methionine.
Molecular consequence: missense variant.
Genome position (GRCh38, 1-based): chr17:72,123,804, C>T. VCF-style: chr17-72123804-C-T. GRCh37 (hg19) VCF-style: chr17-70119945-C-T.
Other names: short protein forms T316M.
Identifiers: ClinVar variation 2853538 (VCV002853538.3), dbSNP rs1399089944, ClinGen allele CA400867393.
Genomic context (GRCh38, chr17:72,123,804, plus strand): 5'-AGTACCTGCCGCCCAACGGCCACCCGGGGGTGCCGGCCACGCACGGCCAGGTCACCTACA[C>T]GGGCAGCTACGGCATCAGCAGCACCGCGGCCACCCCGGCGAGCGCGGGCCACGTGTGGAT-3'
Protein context (NP_000337.1, residues 306-326): VPATHGQVTY[Thr316Met]GSYGISSTAA

ClinVar aggregate classification (germline): Uncertain significance (1 of 4 stars; one submission).

Conditions:
Camptomelic dysplasia (CMPD). Also called: Campomelic Dysplasia; CMPD1/SRA1. Identifiers: Orphanet 140, MedGen C1861922, MONDO:0007251, OMIM 114290.

Allele frequency attached by ClinVar (database versions not stated): gnomAD 0.00002; gnomAD exomes 0.00003.

Submission:

Labcorp Genetics (formerly Invitae), Labcorp
Classification: Uncertain significance for Camptomelic dysplasia. Last evaluated: 2022-11-03. Review status: criteria provided, single submitter. Criteria: Invitae Variant Classification Sherloc (09022015). Collection method: clinical testing. Allele origin: germline.
Comment: In summary, the available evidence is currently insufficient to determine the role of this variant in disease. Therefore, it has been classified as a Variant of Uncertain Significance. Advanced modeling of protein sequence and biophysical properties (such as structural, functional, and spatial information, amino acid conservation, physicochemical variation, residue mobility, and thermodynamic stability) performed at Invitae indicates that this missense variant is expected to disrupt SOX9 protein function. This variant has not been reported in the literature in individuals affected with SOX9-related conditions. This variant is present in population databases (no rsID available, gnomAD 0.002%). This sequence change replaces threonine, which is neutral and polar, with methionine, which is neutral and non-polar, at codon 316 of the SOX9 protein (p.Thr316Met).